The following is an entry in ClinVar:

NM_002471.4(MYH6):c.652G>A (p.Glu218Lys)

Gene: MYH6 (myosin heavy chain 6; minus strand). Cytogenetic location: 14q11.2.
Variant type: single nucleotide variant.
Coding change: c.652G>A on transcript NM_002471.4 (MANE Select); coding-DNA position 652, G replaced by A.
Protein change: p.Glu218Lys; replaces glutamic acid 218 with lysine.
Molecular consequence: missense variant.
Genome position (GRCh38, 1-based): chr14:23,404,379, C>T on the plus strand (G>A on the coding strand, the complement: MYH6 is on the minus strand). VCF-style: chr14-23404379-C-T. GRCh37 (hg19) VCF-style: chr14-23873588-C-T.
Other names: short protein forms E218K.
Identifiers: ClinVar variation 4849972 (VCV004849972.1).
Genomic context (GRCh38, chr14:23,404,379, plus strand): 5'-GGACAGTCTTGGCATTGCCGAAGGCCTCCAGAGCGGGGTTGGCCTGGATGATCTGGTCCT[C>T]CAGGGTGCCCTATGAAAGGAGCAGAACTGCATGGGTTCATCCTCCATCCACCTCCAGGCA-3'
Protein context (NP_002462.2, residues 208-228): DNANANKGTL[Glu218Lys]DQIIQANPAL

ClinVar aggregate classification (germline): Likely pathogenic (1 of 4 stars; one submission).

Conditions:
Autosomal dominant MYH6-related disorders.

Submission:

Variantyx, Inc.
Classification: Likely pathogenic for Autosomal dominant MYH6-related disorders. Last evaluated: 2025-04-08. Review status: criteria provided, single submitter. Criteria: Variantyx Assertion Criteria 2022. Collection method: clinical testing. Allele origin: de novo. Inheritance: Autosomal dominant inheritance. Affected: yes.
Comment: This is a nonsynonymous variant in the MYH6 gene (OMIM: 160710). Pathogenic variants in this gene have been associated with autosomal dominant MYH6-related disorders. Multiple computational algorithms predict a deleterious effect for this variant (REVEL score: 0.847) (PP3). This variant is absent from control populations (PM2). The clinical symptoms reported for this individual are highly specific for autosomal dominant MYH6-related disorders, which have a limited genetic etiology (PP4). Based on the current evidence, this variant is classified as likely pathogenic for autosomal dominant MYH6-related disorders.